The following is an entry in ClinVar:

NM_014141.6(CNTNAP2):c.3038T>A (p.Met1013Lys)

Gene: CNTNAP2 (contactin associated protein 2; plus strand). Cytogenetic location: 7q36.1.
Variant type: single nucleotide variant.
Coding change: c.3038T>A on transcript NM_014141.6 (MANE Select); coding-DNA position 3038, T replaced by A.
Protein change: p.Met1013Lys; replaces methionine 1013 with lysine.
Molecular consequence: missense variant.
Genome position (GRCh38, 1-based): chr7:148,217,315, T>A. VCF-style: chr7-148217315-T-A. GRCh37 (hg19) VCF-style: chr7-147914407-T-A.
Other names: short protein forms M1013K.
Identifiers: ClinVar variation 4881355 (VCV004881355.2).

ClinVar aggregate classification (germline): Uncertain significance (1 of 4 stars; one submission).

Submission:

Dasa
Classification: Uncertain significance. Last evaluated: 2025-06-24. Review status: criteria provided, single submitter. Criteria: DASA Assertion Criteria. Collection method: clinical testing. Allele origin: germline.
Comment: NM_014141.6(CNTNAP2):c.3038T>A (p.Met1013Lys) is a missense variant that results in the substitution of methionine with lysine. This variant is rare in population databases. The currently available literature and clinical evidence are not sufficient to establish a definitive association between this variant and the reported condition. Therefore, this variant is classified as a variant of uncertain significance.